The following is an entry in ClinVar:

ClinVar aggregate classification (germline): Uncertain significance (1 of 4 stars; one submission).

Submission:

Mayo Clinic Laboratories, Mayo Clinic
Classification: Uncertain significance. Last evaluated: 2025-08-05. Review status: criteria provided, single submitter. Criteria: ACMG Guidelines, 2015. Collection method: clinical testing. Allele origin: germline. Observed: 2 variant alleles.
Comment: BP4_moderate

NM_001365276.2(TNXB):c.11171G>A (p.Arg3724His)

Genes: TNXB (tenascin XB; minus strand), LOC106780803 (tenascin XB recombination region; plus strand). Cytogenetic location: 6p21.33.
Variant type: single nucleotide variant.
Coding change: c.11171G>A on transcript NM_001365276.2 (MANE Select); coding-DNA position 11171, G replaced by A.
Protein change: p.Arg3724His; replaces arginine 3724 with histidine.
Molecular consequence: missense variant.
Genome position (GRCh38, 1-based): chr6:32,044,473, C>T on the plus strand (G>A on the coding strand, the complement: TNXB is on the minus strand). VCF-style: chr6-32044473-C-T. GRCh37 (hg19) VCF-style: chr6-32012250-C-T.
Other names: p.Arg3722His; c.11912G>A, p.Arg3971His (NM_001428335.1); c.11165G>A, p.Arg3722His (NM_019105.8); c.458G>A, p.Arg153His (NM_032470.4); short protein forms R153H, R3722H, R3724H, R3971H.
Identifiers: ClinVar variation 3379661 (VCV003379661.2).